The following is an entry in ClinVar:

NM_017637.6(BNC2):c.2639+518G>A

Gene: BNC2 (basonuclin zinc finger protein 2; minus strand). Cytogenetic location: 9p22.3.
Variant type: single nucleotide variant.
Coding change: c.2639+518G>A on transcript NM_017637.6 (MANE Select); 518 bases into the intron after coding-DNA position 2639, G replaced by A.
Molecular consequence: intron variant. On other transcripts: splice donor variant (1).
Genome position (GRCh38, 1-based): chr9:16,435,037, C>T on the plus strand (G>A on the coding strand, the complement: BNC2 is on the minus strand). VCF-style: chr9-16435037-C-T. GRCh37 (hg19) VCF-style: chr9-16435035-C-T.
Other names: c.2575+1G>A (NM_001317939.2); c.2354+518G>A (NM_001317940.2).
Identifiers: ClinVar variation 4987169 (VCV004987169.1).

ClinVar aggregate classification (germline): Likely benign (1 of 4 stars; one submission).

Conditions:
BNC2-related disorder. Also called: BNC2-related condition.

gnomAD v4.1: 11 of 471,506 alleles (0.0023%); highest among the groups gnomAD compares: Admixed American, 0.014%; no homozygotes.

Submission:

PreventionGenetics, part of Exact Sciences
Classification: Likely benign for BNC2-related condition. Last evaluated: 2025-09-12. Review status: criteria provided, single submitter. Criteria: ACMG Guidelines, 2015. Collection method: clinical testing. Allele origin: germline.
Comment: This variant is classified as likely benign based on ACMG/AMP sequence variant interpretation guidelines (Richards et al. 2015 PMID: 25741868, with internal and published modifications).